The following is an entry in ClinVar:

ClinVar aggregate classification (germline): Uncertain significance (1 of 4 stars; one submission).

Conditions:
Hyperekplexia 3 (HKPX3). Also called: HYPEREKPLEXIA 3, AUTOSOMAL RECESSIVE; HYPEREKPLEXIA 3, AUTOSOMAL DOMINANT. Identifiers: Orphanet 3197, MedGen C3553288, MONDO:0013827, OMIM 614618.

Allele frequency attached by ClinVar (database versions not stated): gnomAD exomes below 0.00001; ExAC 0.00001.
gnomAD v4.1: 1 of 1,614,170 alleles (0.000062%); highest among the groups gnomAD compares: Non-Finnish European, 0.000085%; no homozygotes.

Submission:

Labcorp Genetics (formerly Invitae), Labcorp
Classification: Uncertain significance for Hyperekplexia 3. Last evaluated: 2022-03-29. Review status: criteria provided, single submitter. Criteria: Invitae Variant Classification Sherloc (09022015). Collection method: clinical testing. Allele origin: germline.
Comment: In summary, the available evidence is currently insufficient to determine the role of this variant in disease. Therefore, it has been classified as a Variant of Uncertain Significance. Advanced modeling of protein sequence and biophysical properties (such as structural, functional, and spatial information, amino acid conservation, physicochemical variation, residue mobility, and thermodynamic stability) performed at Invitae indicates that this missense variant is not expected to disrupt SLC6A5 protein function. This variant has not been reported in the literature in individuals affected with SLC6A5-related conditions. This variant is present in population databases (rs763270849, gnomAD 0.006%). This sequence change replaces isoleucine, which is neutral and non-polar, with valine, which is neutral and non-polar, at codon 279 of the SLC6A5 protein (p.Ile279Val).

NM_004211.5(SLC6A5):c.835A>G (p.Ile279Val)

Gene: SLC6A5 (solute carrier family 6 member 5; plus strand). Cytogenetic location: 11p15.1.
Variant type: single nucleotide variant.
Coding change: c.835A>G on transcript NM_004211.5 (MANE Select); coding-DNA position 835, A replaced by G.
Protein change: p.Ile279Val; replaces isoleucine 279 with valine.
Molecular consequence: missense variant.
Genome position (GRCh38, 1-based): chr11:20,607,502, A>G. VCF-style: chr11-20607502-A-G. GRCh37 (hg19) VCF-style: chr11-20629048-A-G.
Other names: c.133A>G, p.Ile45Val (NM_001318369.2); short protein forms I45V, I279V.
Identifiers: ClinVar variation 1424178 (VCV001424178.8), dbSNP rs763270849, ClinGen allele CA5921234.